The following is an entry in ClinVar:

NM_182700.6(SP8):c.909A>G (p.Pro303=)

Gene: SP8 (Sp8 transcription factor; minus strand). Cytogenetic location: 7p21.1.
Variant type: single nucleotide variant.
Coding change: c.909A>G on transcript NM_182700.6 (MANE Select); coding-DNA position 909, A replaced by G.
Protein change: p.Pro303=; no amino-acid change (proline 303 retained).
Molecular consequence: synonymous variant.
Genome position (GRCh38, 1-based): chr7:20,784,908, T>C on the plus strand (A>G on the coding strand, the complement: SP8 is on the minus strand). VCF-style: chr7-20784908-T-C. GRCh37 (hg19) VCF-style: chr7-20824527-T-C.
Other names: c.855A>G, p.Pro285= (NM_198956.4).
Identifiers: ClinVar variation 3054534 (VCV003054534.2), dbSNP rs1314546283, ClinGen allele CA454137129.

ClinVar aggregate classification (germline): Likely benign (0 of 4 stars; one submission).

Conditions:
SP8-related disorder. Also called: SP8-related condition.

Submission:

PreventionGenetics, part of Exact Sciences
Classification: Likely benign for SP8-related condition. Last evaluated: 2023-12-19. Review status: no assertion criteria provided. Collection method: clinical testing. Allele origin: germline.
Comment: This variant is classified as likely benign based on ACMG/AMP sequence variant interpretation guidelines (Richards et al. 2015 PMID: 25741868, with internal and published modifications).